The following is an entry in ClinVar:

NM_177438.3(DICER1):c.5604C>G (p.Ser1868Arg)

Gene: DICER1 (dicer 1, ribonuclease III; minus strand). Cytogenetic location: 14q32.13.
Variant type: single nucleotide variant.
Coding change: c.5604C>G on transcript NM_177438.3 (MANE Select); coding-DNA position 5604, C replaced by G.
Protein change: p.Ser1868Arg; replaces serine 1868 with arginine.
Molecular consequence: missense variant.
Genome position (GRCh38, 1-based): chr14:95,090,663, G>C on the plus strand (C>G on the coding strand, the complement: DICER1 is on the minus strand). VCF-style: chr14-95090663-G-C. GRCh37 (hg19) VCF-style: chr14-95557000-G-C.
Other names: c.5441C>G, p.Ala1814Gly (NM_001195573.1); c.5604C>G, p.Ser1868Arg (NM_001271282.3, NM_001291628.2, NM_030621.4); short protein forms S1868R, A1814G.
Identifiers: ClinVar variation 1501642 (VCV001501642.9), dbSNP rs1889714542, ClinGen allele CA390863854.

ClinVar aggregate classification (germline): Uncertain significance (1 of 4 stars; one submission).

Conditions:
DICER1-related tumor predisposition. Also called: DICER1 syndrome; DICER1-related pleuropulmonary blastoma cancer predisposition syndrome. Identifiers: Orphanet 284343, MedGen C3839822, MONDO:0100216.

Submission:

Labcorp Genetics (formerly Invitae), Labcorp
Classification: Uncertain significance for DICER1-related tumor predisposition. Last evaluated: 2021-01-10. Review status: criteria provided, single submitter. Criteria: Invitae Variant Classification Sherloc (09022015). Collection method: clinical testing. Allele origin: germline.
Comment: This variant is not present in population databases (ExAC no frequency). This variant has not been reported in the literature in individuals with DICER1-related conditions. Algorithms developed to predict the effect of missense changes on protein structure and function (SIFT, PolyPhen-2, Align-GVGD) all suggest that this variant is likely to be disruptive, but these predictions have not been confirmed by published functional studies and their clinical significance is uncertain. In summary, the available evidence is currently insufficient to determine the role of this variant in disease. Therefore, it has been classified as a Variant of Uncertain Significance. This sequence change replaces serine with arginine at codon 1868 of the DICER1 protein (p.Ser1868Arg). The serine residue is highly conserved and there is a moderate physicochemical difference between serine and arginine.